The following is an entry in ClinVar:

ClinVar aggregate classification (germline): Conflicting classifications of pathogenicity. Review status: criteria provided, conflicting classifications (1 of 4 stars). 9 submissions from 9 submitters: Uncertain significance (1); Benign (6); Likely benign (1). 1 of the submissions does not count toward it. Last evaluated 2026-02-04.

Conditions:
Autosomal recessive nonsyndromic hearing loss 77. Identifiers: Orphanet 90636, MedGen C2746083, MONDO:0013119, OMIM 613079.

Allele frequency attached by ClinVar (database versions not stated): 1000 Genomes Project 30x 0.00734; ExAC 0.00959; gnomAD exomes 0.01220 and 0.01804; gnomAD 0.01327 and 0.01368; ESP Exome Variant Server 0.01336; TOPMed 0.01413; 1000 Genomes Project 0.00719.
gnomAD v4.1: 27,108 of 1,552,130 alleles (1.7%); highest among the groups gnomAD compares: Non-Finnish European, 2.1%; 264 homozygotes.

Submissions (9):

Labcorp Genetics (formerly Invitae), Labcorp
Classification: Benign. Last evaluated: 2026-02-04. Review status: criteria provided, single submitter. Criteria: Invitae Variant Classification Sherloc (09022015). Collection method: clinical testing. Allele origin: germline.

Blueprint Genetics
Classification: Likely benign. Last evaluated: 2024-11-28. Review status: criteria provided, single submitter. Criteria: ACMG Guidelines, 2015. Collection method: clinical testing. Allele origin: germline.

ARUP Laboratories, Molecular Genetics and Genomics, ARUP Laboratories
Classification: Benign for Autosomal recessive nonsyndromic hearing loss 77. Last evaluated: 2023-11-01. Review status: criteria provided, single submitter. Criteria: ARUP Molecular Germline Variant Investigation Process 2024. Collection method: clinical testing. Allele origin: germline.

Athena Diagnostics
Classification: Benign. Last evaluated: 2019-05-16. Review status: criteria provided, single submitter. Criteria: Athena Diagnostics Criteria. Collection method: clinical testing. Allele origin: germline.

Illumina Laboratory Services, Illumina
Classification: Uncertain significance for Autosomal recessive nonsyndromic hearing loss 77. Last evaluated: 2018-01-12. Review status: criteria provided, single submitter. Criteria: ICSL Variant Classification Criteria 13 December 2019. Collection method: clinical testing. Allele origin: germline.

GeneDx
Classification: Benign. Last evaluated: 2017-11-29. Review status: criteria provided, single submitter. Criteria: GeneDx Variant Classification (06012015). Collection method: clinical testing. Allele origin: germline. Affected: yes.
Comment: This variant is considered likely benign or benign based on one or more of the following criteria: it is a conservative change, it occurs at a poorly conserved position in the protein, it is predicted to be benign by multiple in silico algorithms, and/or has population frequency not consistent with disease.

Laboratory for Molecular Medicine, Mass General Brigham Personalized Medicine
Classification: Benign. Last evaluated: 2012-05-07. Review status: criteria provided, single submitter. Criteria: LMM Criteria. Collection method: clinical testing. Allele origin: germline. Observed: 58 variant alleles.
Comment: Arg1090Gln in Exon 21 of LOXHD1: This variant is not expected to have clinical s ignificance because it has been identified in 2.1% (54/2532) of European America n chromosomes from a broad population by the NHLBI Exome Sequencing Project (dbSNP rs118174674).

PreventionGenetics, part of Exact Sciences
Classification: Benign. Review status: criteria provided, single submitter. Criteria: ACMG Guidelines, 2015. Collection method: clinical testing. Allele origin: germline.

Natera, Inc.
Classification: Benign for Autosomal recessive deafness type 77. Last evaluated: 2020-09-16. Review status: no assertion criteria provided. Collection method: clinical testing. Allele origin: germline. Not counted in ClinVar's aggregate classification.

Literature cited by the submitters: PubMed 25938503 (cited by Athena Diagnostics).

NM_001384474.1(LOXHD1):c.3269G>A (p.Arg1090Gln)

Gene: LOXHD1 (lipoxygenase homology PLAT domains 1; minus strand). Cytogenetic location: 18q21.1.
Variant type: single nucleotide variant.
Coding change: c.3269G>A on transcript NM_001384474.1 (MANE Select); coding-DNA position 3269, G replaced by A.
Protein change: p.Arg1090Gln; replaces arginine 1090 with glutamine.
Molecular consequence: missense variant. On other transcripts: 5 prime UTR variant (1).
Genome position (GRCh38, 1-based): chr18:46,557,437, C>T on the plus strand (G>A on the coding strand, the complement: LOXHD1 is on the minus strand). VCF-style: chr18-46557437-C-T. GRCh37 (hg19) VCF-style: chr18-44137400-C-T.
Other names: c.-65G>A (NM_001145472.3); c.3269G>A, p.Arg1090Gln (NM_144612.7); short protein forms R1090Q.
Identifiers: ClinVar variation 47933 (VCV000047933.32), dbSNP rs118174674, ClinGen allele CA142212.